The following is an entry in ClinVar:

NM_001378418.1(TCF20):c.1029A>C (p.Gln343His)

Gene: TCF20 (transcription factor 20; minus strand). Cytogenetic location: 22q13.2.
Variant type: single nucleotide variant.
Coding change: c.1029A>C on transcript NM_001378418.1 (MANE Select); coding-DNA position 1029, A replaced by C.
Protein change: p.Gln343His; replaces glutamine 343 with histidine.
Molecular consequence: missense variant.
Genome position (GRCh38, 1-based): chr22:42,214,277, T>G on the plus strand (A>C on the coding strand, the complement: TCF20 is on the minus strand). VCF-style: chr22-42214277-T-G. GRCh37 (hg19) VCF-style: chr22-42610283-T-G.
Other names: c.1029A>C, p.Gln343His (NM_005650.4, NM_181492.3); c.1029A>C (NM_005650.3, NM_005650.1); short protein forms Q343H.
Identifiers: ClinVar variation 1523296 (VCV001523296.11), dbSNP rs150925429, ClinGen allele CA10267239.

ClinVar aggregate classification (germline): Conflicting classifications of pathogenicity. Review status: criteria provided, conflicting classifications (1 of 4 stars). 5 submissions from 5 submitters: Uncertain significance (1); Benign (1); Likely benign (2). 1 of the submissions does not count toward it. Last evaluated 2026-08-01.

Conditions:
Inborn genetic diseases. Identifiers: MedGen C0950123, MeSH D030342.
TCF20-related disorder. Also called: TCF20-related condition.

Allele frequency attached by ClinVar (database versions not stated): gnomAD exomes 0.00001 and 0.00004; ExAC 0.00006; gnomAD 0.00024 and 0.00026; TOPMed 0.00025; ESP Exome Variant Server 0.00038.
gnomAD v4.1: 58 of 1,614,092 alleles (0.0036%); highest among the groups gnomAD compares: African/African-American, 0.067%; no homozygotes.

Submissions (5):

CeGaT Center for Human Genetics Tuebingen
Classification: Likely benign. Last evaluated: 2026-08-01. Review status: criteria provided, single submitter. Criteria: CeGaT Center For Human Genetics Tuebingen Variant Classification Criteria Version 2. Collection method: clinical testing. Allele origin: germline. Affected: yes. Observed: 1 variant allele.
Comment: TCF20: BP4

Labcorp Genetics (formerly Invitae), Labcorp
Classification: Benign. Last evaluated: 2025-11-02. Review status: criteria provided, single submitter. Criteria: Invitae Variant Classification Sherloc (09022015). Collection method: clinical testing. Allele origin: germline.

Ambry Genetics
Classification: Likely benign for Inborn genetic diseases. Last evaluated: 2024-02-06. Review status: criteria provided, single submitter. Criteria: Ambry Variant Classification Scheme 2023. Collection method: clinical testing. Allele origin: germline.

Breakthrough Genomics
Classification: Uncertain significance. Review status: criteria provided, single submitter. Criteria: ACMG Guidelines, 2015. Collection method: not provided. Allele origin: germline. Inheritance: Autosomal dominant inheritance. Affected: yes.

PreventionGenetics, part of Exact Sciences
Classification: Likely benign for TCF20-related condition. Last evaluated: 2023-03-13. Review status: no assertion criteria provided. Collection method: clinical testing. Allele origin: germline. Not counted in ClinVar's aggregate classification.
Comment: This variant is classified as likely benign based on ACMG/AMP sequence variant interpretation guidelines (Richards et al. 2015 PMID: 25741868, with internal and published modifications).